The following is an entry in ClinVar:

NM_002435.3(MPI):c.647_650del (p.Leu215_Leu216insTer)

Gene: MPI (mannose phosphate isomerase; plus strand). Cytogenetic location: 15q24.1.
Variant type: Deletion.
Coding change: c.647_650del on transcript NM_002435.3 (MANE Select); coding-DNA positions 647 to 650, 4 bases deleted (TGGT; older notation c.647_650delTGGT).
Protein change: p.Leu215_Leu216insTer.
Molecular consequence: nonsense. On other transcripts: intron variant (1).
Genome position (GRCh38, 1-based): chr15:74,893,297-74,893,300, TGGT deleted; deleting any 4 consecutive bases within chr15:74,893,295-74,893,300 gives the same sequence; the c. name uses the placement nearest the transcript's 3' end. VCF-style (leftmost placement, unchanged base first): chr15-74893294-TGTTG-T. GRCh37 (hg19) VCF-style: chr15-75185635-TGTTG-T.
Other names: c.647_650del, p.Leu215_Leu216insTer (NM_001289155.2); c.497_500del, p.Leu165_Leu166insTer (NM_001289156.2); c.587_590del, p.Leu195_Leu196insTer (NM_001330372.2); c.487+495_487+498del (NM_001289157.2).
Identifiers: ClinVar variation 1412273 (VCV001412273.3), dbSNP rs2141200617, ClinGen allele CA2573151154.
Genomic context (GRCh38, chr15:74,893,294, plus strand): 5'-AGAGCTGTTTCTCCCACCTGATGAAGAGTGAGAAGAAGGTGGTGGTGGAACAGCTCAACC[TGTTG>T]GTGAAGCGGATCTCCCAGCAAGGTGGACACAGTTATATTCCTGGTTGGGTGCAATGCTCT-3'

ClinVar aggregate classification (germline): Pathogenic (1 of 4 stars; one submission).

Conditions:
MPI-congenital disorder of glycosylation. Also called: MPI DEFICIENCY; PROTEIN-LOSING ENTEROPATHY-HEPATIC FIBROSIS SYNDROME; MANNOSEPHOSPHATE ISOMERASE DEFICIENCY; MPI-CDG; CONGENITAL DISORDER OF GLYCOSYLATION, TYPE Ib; CDG Ib. Identifiers: Orphanet 79319, MedGen C1865145, MONDO:0011257, OMIM 602579.

Submission:

Labcorp Genetics (formerly Invitae), Labcorp
Classification: Pathogenic for MPI-congenital disorder of glycosylation. Last evaluated: 2021-08-12. Review status: criteria provided, single submitter. Criteria: Invitae Variant Classification Sherloc (09022015). Collection method: clinical testing. Allele origin: germline.
Comment: This sequence change creates a premature translational stop signal (p.Leu216*) in the MPI gene. It is expected to result in an absent or disrupted protein product. Loss-of-function variants in MPI are known to be pathogenic (PMID: 19862844). This variant is not present in population databases (ExAC no frequency). This variant has not been reported in the literature in individuals affected with MPI-related conditions. For these reasons, this variant has been classified as Pathogenic.

Literature cited by the submitters: PubMed 19862844.